The following is an entry in ClinVar:

NM_000237.3(LPL):c.572_588del (p.Tyr191fs)

Gene: LPL (lipoprotein lipase; plus strand). Cytogenetic location: 8p21.3.
Variant type: Deletion.
Coding change: c.572_588del on transcript NM_000237.3 (MANE Select); coding-DNA positions 572 to 588, 17 bases deleted (ATGCAGAAGCCCCGAGT).
Protein change: p.Tyr191fs; shifts the reading frame from tyrosine 191.
Molecular consequence: frameshift variant.
Genome position (GRCh38, 1-based): chr8:19,954,150-19,954,166, ATGCAGAAGCCCCGAGT deleted; deleting any 17 consecutive bases within chr8:19,954,146-19,954,166 gives the same sequence; the c. name uses the placement nearest the transcript's 3' end. VCF-style (leftmost placement, unchanged base first): chr8-19954145-TGAGTATGCAGAAGCCCC-T. GRCh37 (hg19) VCF-style: chr8-19811656-TGAGTATGCAGAAGCCCC-T.
Other names: short protein forms Y191fs.
Identifiers: ClinVar variation 1427499 (VCV001427499.6), dbSNP rs2128838150, ClinGen allele CA2573142626.
Genomic context (GRCh38, chr8:19,954,145, plus strand): 5'-TACAAATCTGTGTTCCTGCTTTTTTCCCTTTTAAGGCCTCGATCCAGCTGGACCTAACTT[TGAGTATGCAGAAGCCCC>T]GAGTCGTCTTTCTCCTGATGATGCAGATTTTGTAGACGTCTTACACACATTCACCAGAGG-3'

ClinVar aggregate classification (germline): Pathogenic (1 of 4 stars; one submission).

Submission:

Labcorp Genetics (formerly Invitae), Labcorp
Classification: Pathogenic. Last evaluated: 2021-06-19. Review status: criteria provided, single submitter. Criteria: Invitae Variant Classification Sherloc (09022015). Collection method: clinical testing. Allele origin: germline.
Comment: This variant has not been reported in the literature in individuals with LPL-related conditions. For these reasons, this variant has been classified as Pathogenic. This variant is not present in population databases (ExAC no frequency). This sequence change creates a premature translational stop signal (p.Tyr191Serfs*5) in the LPL gene. It is expected to result in an absent or disrupted protein product. Loss-of-function variants in LPL are known to be pathogenic (PMID: 11334614).

Literature cited by the submitters: PubMed 11334614.